The following is an entry in ClinVar:

ClinVar aggregate classification (germline): Benign/Likely benign. Review status: criteria provided, multiple submitters, no conflicts (2 of 4 stars). 2 submissions from 2 submitters: Benign (1); Likely benign (1). Last evaluated 2025-08-11.

Conditions:
Hereditary diffuse gastric adenocarcinoma (HDGC). Also called: DIFFUSE GASTRIC AND LOBULAR BREAST CANCER SYNDROME. Identifiers: Orphanet 26106, MedGen C1708349, MONDO:0007648, OMIM 137215.

Submissions (2):

Labcorp Genetics (formerly Invitae), Labcorp
Classification: Likely benign. Last evaluated: 2025-08-11. Review status: criteria provided, single submitter. Criteria: Invitae Variant Classification Sherloc (09022015). Collection method: clinical testing. Allele origin: germline.

Myriad Genetics, Inc.
Classification: Benign for Hereditary diffuse gastric adenocarcinoma. Last evaluated: 2024-10-15. Review status: criteria provided, single submitter. Criteria: Myriad Autosomal Dominant, Autosomal Recessive and X-Linked Classification Criteria (2023). Collection method: clinical testing. Allele origin: unknown.
Comment: This variant is considered benign. This variant is a silent/synonymous amino acid change and it is not expected to impact splicing.

NM_001903.5(CTNNA1):c.2352C>T (p.Ala784=)

Gene: CTNNA1 (catenin alpha 1; plus strand). Cytogenetic location: 5q31.2.
Variant type: single nucleotide variant.
Coding change: c.2352C>T on transcript NM_001903.5 (MANE Select); coding-DNA position 2352, C replaced by T.
Protein change: p.Ala784=; no amino-acid change (alanine 784 retained).
Molecular consequence: synonymous variant. On other transcripts: intron variant (1).
Genome position (GRCh38, 1-based): chr5:138,932,631, C>T. VCF-style: chr5-138932631-C-T. GRCh37 (hg19) VCF-style: chr5-138268320-C-T.
Other names: c.2352C>T, p.Ala784= (NM_001290307.3, NM_001323982.2, NM_001323983.1 and 2 more transcripts); c.2043C>T, p.Ala681= (NM_001290309.3); c.1983C>T, p.Ala661= (NM_001290310.3); c.1242C>T, p.Ala414= (NM_001290312.1, NM_001323987.1, NM_001323988.1 and 16 more transcripts); c.2259C>T, p.Ala753= (NM_001323986.2); c.903C>T, p.Ala301= (NM_001324006.1, NM_001324007.1, NM_001324008.1 and 2 more transcripts); c.1149C>T, p.Ala383= (NM_001324011.1); c.999C>T, p.Ala333= (NM_001324012.1, NM_001324013.1); and 1 more.
Identifiers: ClinVar variation 2999640 (VCV002999640.4), dbSNP rs1580930407, ClinGen allele CA446598200.